The following is an entry in ClinVar:

NM_152703.5(SAMD9L):c.4607T>C (p.Val1536Ala)

Gene: SAMD9L (sterile alpha motif domain containing 9 like; minus strand). Cytogenetic location: 7q21.2.
Variant type: single nucleotide variant.
Coding change: c.4607T>C on transcript NM_152703.5 (MANE Select); coding-DNA position 4607, T replaced by C.
Protein change: p.Val1536Ala; replaces valine 1536 with alanine.
Molecular consequence: missense variant.
Genome position (GRCh38, 1-based): chr7:93,131,365, A>G on the plus strand (T>C on the coding strand, the complement: SAMD9L is on the minus strand). VCF-style: chr7-93131365-A-G. GRCh37 (hg19) VCF-style: chr7-92760678-A-G.
Other names: c.4607T>C, p.Val1536Ala (NM_001303496.3, NM_001303497.3, NM_001303498.3 and 5 more transcripts); short protein forms V1536A.
Identifiers: ClinVar variation 1943674 (VCV001943674.5), dbSNP rs1489218206, ClinGen allele CA368170624.
Genomic context (GRCh38, chr7:93,131,365, plus strand): 5'-AGTGGACCTGAATAAACAGATATTACTGGTATTTTTATTTTTTCCTCTGTTCCATATTCT[A>G]CAGAGATTAGCTTGCCTTCAGCCTGACCAGTTAGACGACGCAGGAGGTCTTTGACTTCAT-3'
Protein context (NP_689916.2, residues 1526-1546): TGQAEGKLIS[Val1536Ala]EYGTEEKIKI

ClinVar aggregate classification (germline): Uncertain significance (1 of 4 stars; one submission).

Allele frequency attached by ClinVar (database versions not stated): gnomAD exomes below 0.00001; TOPMed below 0.00001; gnomAD 0.00001.
gnomAD v4.1: 5 of 1,613,556 alleles (0.00031%); highest among the groups gnomAD compares: Admixed American, 0.0033%; no homozygotes.

Submission:

Labcorp Genetics (formerly Invitae), Labcorp
Classification: Uncertain significance. Last evaluated: 2024-06-17. Review status: criteria provided, single submitter. Criteria: Invitae Variant Classification Sherloc (09022015). Collection method: clinical testing. Allele origin: germline.
Comment: This sequence change replaces valine, which is neutral and non-polar, with alanine, which is neutral and non-polar, at codon 1536 of the SAMD9L protein (p.Val1536Ala). This variant is present in population databases (no rsID available, gnomAD 0.006%). This variant has not been reported in the literature in individuals affected with SAMD9L-related conditions. ClinVar contains an entry for this variant (Variation ID: 1943674). Advanced modeling of protein sequence and biophysical properties (such as structural, functional, and spatial information, amino acid conservation, physicochemical variation, residue mobility, and thermodynamic stability) performed at Invitae indicates that this missense variant is not expected to disrupt SAMD9L protein function with a negative predictive value of 80%. In summary, the available evidence is currently insufficient to determine the role of this variant in disease. Therefore, it has been classified as a Variant of Uncertain Significance.